The following is an entry in ClinVar:

NM_007194.4(CHEK2):c.-6-3287A>C

Gene: CHEK2 (checkpoint kinase 2; minus strand). Cytogenetic location: 22q12.1.
Variant type: single nucleotide variant.
Coding change: c.-6-3287A>C on transcript NM_007194.4 (MANE Select); 3287 bases into the intron before 6 bases upstream of the start codon, A replaced by C.
Molecular consequence: intron variant.
Genome position (GRCh38, 1-based): chr22:28,738,014, T>G on the plus strand (A>C on the coding strand, the complement: CHEK2 is on the minus strand). VCF-style: chr22-28738014-T-G. GRCh37 (hg19) VCF-style: chr22-29134002-T-G.
Other names: c.-345+3755A>C (NM_001437942.1); c.-6-3287A>C (NM_001349956.3, NM_145862.3, NM_001438295.1 and 3 more transcripts); c.-783-3287A>C (NM_001257387.3).
Identifiers: ClinVar variation 2578920 (VCV002578920.25), dbSNP rs545068493, ClinGen allele CA323000273.
Genomic context (GRCh38, chr22:28,738,014, plus strand): 5'-CCAGCACTTTGGGAGGCCAACGCAGGTAGATTGCTTGAGCCCAGGAATTCAAGACCAGCC[T>G]GGGCACCATGGTGAAATCCAGTATCTACAGAAAATACAAAAAATTAGCAGGGCATGGTGG-3'

ClinVar aggregate classification (germline): Likely benign (1 of 4 stars; one submission).

Allele frequency attached by ClinVar (database versions not stated): TOPMed 0.00089; gnomAD 0.00090; 1000 Genomes Project 30x 0.00094; 1000 Genomes Project 0.00100; gnomAD exomes 0.00625.
gnomAD v4.1: 137 of 152,396 alleles (0.09%); highest among the groups gnomAD compares: Middle Eastern, 0.34%; 1 homozygote.

Submission:

CeGaT Center for Human Genetics Tuebingen
Classification: Likely benign. Last evaluated: 2024-07-01. Review status: criteria provided, single submitter. Criteria: CeGaT Center For Human Genetics Tuebingen Variant Classification Criteria Version 2. Collection method: clinical testing. Allele origin: germline. Affected: yes. Observed: 6 variant alleles.
Comment: CHEK2: BS1